The following is an entry in ClinVar:

ClinVar aggregate classification (germline): Uncertain significance (1 of 4 stars; one submission).

gnomAD v4.1: 1 of 1,519,964 alleles (0.000066%); highest among the groups gnomAD compares: Non-Finnish European, 0.000088%; no homozygotes.

Submission:

GeneDx
Classification: Uncertain significance. Last evaluated: 2026-04-07. Review status: criteria provided, single submitter. Criteria: GeneDx Variant Classification Process June 2021. Collection method: clinical testing. Allele origin: germline.
Comment: Not observed at significant frequency in large population cohorts (gnomAD); In silico analysis suggests that this missense variant does not alter protein structure/function; Has not been previously published as pathogenic or benign to our knowledge

NM_001386298.1(CIC):c.7433C>T (p.Ala2478Val)

Gene: CIC (capicua transcriptional repressor; plus strand). Cytogenetic location: 19q13.2.
Variant type: single nucleotide variant.
Coding change: c.7433C>T on transcript NM_001386298.1 (MANE Select); coding-DNA position 7433, C replaced by T.
Protein change: p.Ala2478Val; replaces alanine 2478 with valine.
Molecular consequence: missense variant.
Genome position (GRCh38, 1-based): chr19:42,295,070, C>T. VCF-style: chr19-42295070-C-T. GRCh37 (hg19) VCF-style: chr19-42799222-C-T.
Other names: c.4706C>T, p.Ala1569Val (NM_015125.5); c.7433C>T, p.Ala2478Val (NM_001304815.2); c.7430C>T, p.Ala2477Val (NM_001379480.1, NM_001379482.1, NM_001439183.1); c.4700C>T, p.Ala1567Val (NM_001379484.1, NM_001439191.1); c.4697C>T, p.Ala1566Val (NM_001379485.1); c.7427C>T, p.Ala2476Val (NM_001439184.1, NM_001439185.1, NM_001439186.1); c.7424C>T, p.Ala2475Val (NM_001439187.1); c.7421C>T, p.Ala2474Val (NM_001439188.1); and 1 more; short protein forms A1566V, A1567V, A1568V, A1569V, A2474V, A2475V, A2476V, A2477V.
Identifiers: ClinVar variation 5018188 (VCV005018188.1).
Genomic context (GRCh38, chr19:42,295,070, plus strand): 5'-CCACTCCCAGCCCCGCAGGGGGCCCTGACCCCACCTCACCCAGCTCGGACTCTGGCACGG[C>T]CCAGGCTGCCCCGCCACTGCCTCCACCCCCAGAGTCGGGGCCTGGACAGCCTGGCTGGGA-3'
Protein context (NP_001373227.1, residues 2468-2488): PTSPSSDSGT[Ala2478Val]QAAPPLPPPP